The following is an entry in ClinVar:

NM_133497.4(KCNV2):c.441C>A (p.Asp147Glu)

Gene: KCNV2 (potassium voltage-gated channel modifier subfamily V member 2; plus strand). Cytogenetic location: 9p24.2.
Variant type: single nucleotide variant.
Coding change: c.441C>A on transcript NM_133497.4 (MANE Select); coding-DNA position 441, C replaced by A.
Protein change: p.Asp147Glu; replaces aspartic acid 147 with glutamic acid.
Molecular consequence: missense variant.
Genome position (GRCh38, 1-based): chr9:2,718,180, C>A. VCF-style: chr9-2718180-C-A. GRCh37 (hg19) VCF-style: chr9-2718180-C-A.
Other names: short protein forms D147E.
Identifiers: ClinVar variation 193490 (VCV000193490.16), dbSNP rs146659188, ClinGen allele CA239013.

ClinVar aggregate classification (germline): Conflicting classifications of pathogenicity. Review status: criteria provided, conflicting classifications (1 of 4 stars). 4 submissions from 4 submitters: Uncertain significance (2); Likely benign (2). Last evaluated 2026-08-21.

Conditions:
KCNV2-related disorder. Also called: KCNV2-related condition.

Allele frequency attached by ClinVar (database versions not stated): gnomAD 0.00014 and 0.00023; TOPMed 0.00017; 1000 Genomes Project 0.00020; 1000 Genomes Project 30x 0.00031; ESP Exome Variant Server 0.00031.
gnomAD v4.1: 350 of 1,613,288 alleles (0.022%); highest among the groups gnomAD compares: Middle Eastern, 0.3%; no homozygotes.

Submissions (4):

PreventionGenetics, part of Exact Sciences
Classification: Uncertain significance for KCNV2-related condition. Last evaluated: 2026-08-21. Review status: criteria provided, single submitter. Criteria: ACMG Guidelines, 2015. Collection method: clinical testing. Allele origin: germline.
Comment: The KCNV2 c.441C>A variant is predicted to result in the amino acid substitution p.Asp147Glu. To our knowledge, this variant has not been reported in the literature. This variant is reported in 0.096% of alleles in individuals of South Asian descent in gnomAD, which may be too frequent to be a primary cause of disease. Although we suspect that this variant may be benign, at this time, the clinical significance of this variant is uncertain due to the absence of conclusive functional and genetic evidence.

Labcorp Genetics (formerly Invitae), Labcorp
Classification: Likely benign. Last evaluated: 2025-12-24. Review status: criteria provided, single submitter. Criteria: Invitae Variant Classification Sherloc (09022015). Collection method: clinical testing. Allele origin: germline.

Blueprint Genetics
Classification: Likely benign. Last evaluated: 2024-11-13. Review status: criteria provided, single submitter. Criteria: ACMG Guidelines, 2015. Collection method: clinical testing. Allele origin: germline.

Eurofins Ntd Llc (ga)
Classification: Uncertain significance. Last evaluated: 2014-11-23. Review status: criteria provided, single submitter. Criteria: EGL Classification Definitions 2015. Collection method: clinical testing. Allele origin: germline. Observed: 1 variant allele, 1 heterozygote.